The following is an entry in ClinVar:

NM_005428.4(VAV1):c.2210G>A (p.Gly737Glu)

Gene: VAV1 (vav guanine nucleotide exchange factor 1; plus strand). Cytogenetic location: 19p13.3.
Variant type: single nucleotide variant.
Coding change: c.2210G>A on transcript NM_005428.4 (MANE Select); coding-DNA position 2210, G replaced by A.
Protein change: p.Gly737Glu; replaces glycine 737 with glutamic acid.
Molecular consequence: missense variant.
Genome position (GRCh38, 1-based): chr19:6,850,750, G>A. VCF-style: chr19-6850750-G-A. GRCh37 (hg19) VCF-style: chr19-6850761-G-A.
Other names: c.2144G>A, p.Gly715Glu (NM_001258206.2); c.2114G>A, p.Gly705Glu (NM_001258207.2); short protein forms G715E, G705E, G737E.
Identifiers: ClinVar variation 1381844 (VCV001381844.8), dbSNP rs755335843, ClinGen allele CA9132888.
Genomic context (GRCh38, chr19:6,850,750, plus strand): 5'-ACATTAAAATCATGACAGCAGAAGGACTGTACCGGATCACAGAGAAAAAGGCTTTCCGGG[G>A]GCTTACGGTAAGGGTCAATGTCCGCTCAATCCCAGCTTTCCAGAACCTAGGAGGACCCTC-3'
Protein context (NP_005419.2, residues 727-747): YRITEKKAFR[Gly737Glu]LTELVEFYQQ

ClinVar aggregate classification (germline): Uncertain significance (1 of 4 stars; one submission).

Allele frequency attached by ClinVar (database versions not stated): gnomAD exomes below 0.00001.
gnomAD v4.1: 4 of 1,613,926 alleles (0.00025%); highest among the groups gnomAD compares: South Asian, 0.0033%; no homozygotes.

Submission:

Labcorp Genetics (formerly Invitae), Labcorp
Classification: Uncertain significance. Last evaluated: 2022-03-08. Review status: criteria provided, single submitter. Criteria: Invitae Variant Classification Sherloc (09022015). Collection method: clinical testing. Allele origin: germline.
Comment: This sequence change replaces glycine, which is neutral and non-polar, with glutamic acid, which is acidic and polar, at codon 737 of the VAV1 protein (p.Gly737Glu). This variant is present in population databases (rs755335843, gnomAD 0.003%). This variant has not been reported in the literature in individuals affected with VAV1-related conditions. Algorithms developed to predict the effect of missense changes on protein structure and function are either unavailable or do not agree on the potential impact of this missense change (SIFT: "Deleterious"; PolyPhen-2: "Probably Damaging"; Align-GVGD: "Class C0"). In summary, the available evidence is currently insufficient to determine the role of this variant in disease. Therefore, it has been classified as a Variant of Uncertain Significance.